The following is an entry in ClinVar:

ClinVar aggregate classification (germline): Uncertain significance (1 of 4 stars; one submission).

Conditions:
ALG12-congenital disorder of glycosylation (CDG1G). Also called: CDG Ig; ALG12-CDG; Congenital disorder of glycosylation, type Ig. Identifiers: Orphanet 79324, MedGen C2931001, MONDO:0011783, OMIM 607143.

Allele frequency attached by ClinVar (database versions not stated): gnomAD 0.00001; ExAC 0.00002; gnomAD exomes 0.00002 and 0.00006; TOPMed 0.00002.
gnomAD v4.1: 84 of 1,614,082 alleles (0.0052%); highest among the groups gnomAD compares: Non-Finnish European, 0.0063%; no homozygotes.

Submission:

Labcorp Genetics (formerly Invitae), Labcorp
Classification: Uncertain significance for ALG12-congenital disorder of glycosylation. Last evaluated: 2022-09-07. Review status: criteria provided, single submitter. Criteria: Invitae Variant Classification Sherloc (09022015). Collection method: clinical testing. Allele origin: germline.
Comment: This sequence change replaces proline, which is neutral and non-polar, with leucine, which is neutral and non-polar, at codon 487 of the ALG12 protein (p.Pro487Leu). This variant is present in population databases (rs778688714, gnomAD 0.003%). This variant has not been reported in the literature in individuals affected with ALG12-related conditions. ClinVar contains an entry for this variant (Variation ID: 1430387). Algorithms developed to predict the effect of missense changes on protein structure and function output the following: SIFT: "Tolerated"; PolyPhen-2: "Possibly Damaging"; Align-GVGD: "Class C0". The leucine amino acid residue is found in multiple mammalian species, which suggests that this missense change does not adversely affect protein function. In summary, the available evidence is currently insufficient to determine the role of this variant in disease. Therefore, it has been classified as a Variant of Uncertain Significance.

NM_024105.4(ALG12):c.1460C>T (p.Pro487Leu)

Gene: ALG12 (ALG12 alpha-1,6-mannosyltransferase; minus strand). Cytogenetic location: 22q13.33.
Variant type: single nucleotide variant.
Coding change: c.1460C>T on transcript NM_024105.4 (MANE Select); coding-DNA position 1460, C replaced by T.
Protein change: p.Pro487Leu; replaces proline 487 with leucine.
Molecular consequence: missense variant.
Genome position (GRCh38, 1-based): chr22:49,903,845, G>A on the plus strand (C>T on the coding strand, the complement: ALG12 is on the minus strand). VCF-style: chr22-49903845-G-A. GRCh37 (hg19) VCF-style: chr22-50297493-G-A.
Other names: short protein forms P487L.
Identifiers: ClinVar variation 1430387 (VCV001430387.5), dbSNP rs778688714, ClinGen allele CA10300208.